The following is an entry in ClinVar:

ClinVar aggregate classification (germline): Uncertain significance. Review status: criteria provided, multiple submitters, no conflicts (2 of 4 stars). 4 submissions from 4 submitters: Uncertain significance (4). Last evaluated 2024-08-23.

Conditions:
Familial hypercholesterolemia. Also called: Familial hypercholesterolemias; Familial hypercholesterolaemia. Identifiers: MedGen C0020445, MONDO:0005439.
Hypercholesterolemia, autosomal dominant, 3 (FHCL3). Also called: Familial hypercholesterolemia 3; Familial Hypercholesterolemia, Autosomal Dominant, 3; PCSK9-Related Familial Hypercholesterolemia, Autosomal Dominant. Identifiers: MedGen C1863551, MONDO:0011369, OMIM 603776.

Allele frequency attached by ClinVar (database versions not stated): ExAC 0.00001; TOPMed 0.00002.
gnomAD v4.1: 6 of 1,613,898 alleles (0.00037%); highest among the groups gnomAD compares: Non-Finnish European, 0.00042%; no homozygotes.

Submissions (4):

All of Us Research Program, National Institutes of Health
Classification: Uncertain significance for Hypercholesterolemia, autosomal dominant, 3. Last evaluated: 2024-08-23. Review status: criteria provided, single submitter. Criteria: ACMG Guidelines, 2015. Collection method: clinical testing. Allele origin: germline. Inheritance: Autosomal dominant inheritance. Observed: 3 variant alleles, 3 heterozygotes.
Comment: This missense variant replaces threonine with serine at codon 377 of the PCSK9 protein. Computational prediction suggests that this variant may not impact protein structure and function (internally defined REVEL score threshold <= 0.5, PMID: 27666373). Splice site prediction tools suggest that this variant may not impact RNA splicing. To our knowledge, functional studies have not been performed for this variant. This variant has not been reported in individuals affected with familial hypercholesterolemia in the literature. This variant has been identified in 2/251032 chromosomes in the general population by the Genome Aggregation Database (gnomAD). The available evidence is insufficient to determine the role of this variant in disease conclusively. Therefore, this variant is classified as a Variant of Uncertain Significance.

This study involves interpretation of variants in research participants for the purpose of population health screening. Participant phenotype was not available at the time of variant classification. Additional details can be found in publication PMID: 35346344, PMCID: PMC8962531

GeneDx
Classification: Uncertain significance. Last evaluated: 2024-06-13. Review status: criteria provided, single submitter. Criteria: GeneDx Variant Classification Process June 2021. Collection method: clinical testing. Allele origin: germline. Affected: yes.
Comment: Not observed at significant frequency in large population cohorts (gnomAD); In silico analysis indicates that this missense variant does not alter protein structure/function; Has not been previously published as pathogenic or benign to our knowledge

Color Diagnostics, LLC DBA Color Health
Classification: Uncertain significance for Familial hypercholesterolemia. Last evaluated: 2024-03-06. Review status: criteria provided, single submitter. Criteria: ACMG Guidelines, 2015. Collection method: clinical testing. Allele origin: germline.
Comment: This missense variant replaces threonine with serine at codon 377 of the PCSK9 protein. Computational prediction suggests that this variant may not impact protein structure and function (internally defined REVEL score threshold <= 0.5, PMID: 27666373). To our knowledge, functional studies have not been reported for this variant. This variant has not been reported in individuals affected with familial hypercholesterolemia in the literature. This variant has been identified in 2/251032 chromosomes in the general population by the Genome Aggregation Database (gnomAD). The available evidence is insufficient to determine the role of this variant in disease conclusively. Therefore, this variant is classified as a Variant of Uncertain Significance.

Labcorp Genetics (formerly Invitae), Labcorp
Classification: Uncertain significance for Hypercholesterolemia, autosomal dominant, 3. Last evaluated: 2023-11-08. Review status: criteria provided, single submitter. Criteria: Invitae Variant Classification Sherloc (09022015). Collection method: clinical testing. Allele origin: germline.
Comment: This sequence change replaces threonine, which is neutral and polar, with serine, which is neutral and polar, at codon 377 of the PCSK9 protein (p.Thr377Ser). This variant is present in population databases (rs760947578, gnomAD 0.002%). This variant has not been reported in the literature in individuals affected with PCSK9-related conditions. ClinVar contains an entry for this variant (Variation ID: 918637). Advanced modeling of protein sequence and biophysical properties (such as structural, functional, and spatial information, amino acid conservation, physicochemical variation, residue mobility, and thermodynamic stability) has been performed at Invitae for this missense variant, however the output from this modeling did not meet the statistical confidence thresholds required to predict the impact of this variant on PCSK9 protein function. In summary, the available evidence is currently insufficient to determine the role of this variant in disease. Therefore, it has been classified as a Variant of Uncertain Significance.

NM_174936.4(PCSK9):c.1130C>G (p.Thr377Ser)

Gene: PCSK9 (proprotein convertase subtilisin/kexin type 9; plus strand). Cytogenetic location: 1p32.3.
Variant type: single nucleotide variant.
Coding change: c.1130C>G on transcript NM_174936.4 (MANE Select); coding-DNA position 1130, C replaced by G.
Protein change: p.Thr377Ser; replaces threonine 377 with serine.
Molecular consequence: missense variant.
Genome position (GRCh38, 1-based): chr1:55,057,464, C>G. VCF-style: chr1-55057464-C-G. GRCh37 (hg19) VCF-style: chr1-55523137-C-G.
Other names: c.1253C>G, p.Thr418Ser (NM_001407240.1); c.1130C>G, p.Thr377Ser (NM_001407241.1, NM_001407244.1, NM_001407247.1); c.1133C>G, p.Thr378Ser (NM_001407242.1); c.1073C>G, p.Thr358Ser (NM_001407243.1); c.938C>G, p.Thr313Ser (NM_001407245.1); c.755C>G, p.Thr252Ser (NM_001407246.1); short protein forms T377S, T252S, T358S, T378S, T313S, T418S.
Identifiers: ClinVar variation 918637 (VCV000918637.9), dbSNP rs760947578, ClinGen allele CA035277.